The following is an entry in ClinVar:

ClinVar aggregate classification (germline): Uncertain significance. Review status: criteria provided, multiple submitters, no conflicts (2 of 4 stars). 2 submissions from 2 submitters: Uncertain significance (2). Last evaluated 2023-04-06.

Allele frequency attached by ClinVar (database versions not stated): gnomAD exomes below 0.00001; TOPMed below 0.00001; ExAC 0.00001.
gnomAD v4.1: 2 of 1,602,432 alleles (0.00012%); highest among the groups gnomAD compares: East Asian, 0.0022%; no homozygotes.

Submissions (2):

Labcorp Genetics (formerly Invitae), Labcorp
Classification: Uncertain significance. Last evaluated: 2023-04-06. Review status: criteria provided, single submitter. Criteria: Invitae Variant Classification Sherloc (09022015). Collection method: clinical testing. Allele origin: germline.
Comment: Advanced modeling of protein sequence and biophysical properties (such as structural, functional, and spatial information, amino acid conservation, physicochemical variation, residue mobility, and thermodynamic stability) performed at Invitae indicates that this missense variant is expected to disrupt DVL3 protein function. In summary, the available evidence is currently insufficient to determine the role of this variant in disease. Therefore, it has been classified as a Variant of Uncertain Significance. ClinVar contains an entry for this variant (Variation ID: 2136193). This sequence change replaces arginine, which is basic and polar, with tryptophan, which is neutral and slightly polar, at codon 222 of the DVL3 protein (p.Arg222Trp). The frequency data for this variant in the population databases is considered unreliable, as metrics indicate poor data quality at this position in the gnomAD database. This variant has not been reported in the literature in individuals affected with DVL3-related conditions.

GeneDx
Classification: Uncertain significance. Last evaluated: 2022-07-19. Review status: criteria provided, single submitter. Criteria: GeneDx Variant Classification Process June 2021. Collection method: clinical testing. Allele origin: germline. Affected: yes.
Comment: In silico analysis supports that this missense variant has a deleterious effect on protein structure/function; Has not been previously published as pathogenic or benign to our knowledge

NM_004423.4(DVL3):c.664C>T (p.Arg222Trp)

Gene: DVL3 (dishevelled segment polarity protein 3; plus strand). Cytogenetic location: 3q27.1.
Variant type: single nucleotide variant.
Coding change: c.664C>T on transcript NM_004423.4 (MANE Select); coding-DNA position 664, C replaced by T.
Protein change: p.Arg222Trp; replaces arginine 222 with tryptophan.
Molecular consequence: missense variant.
Genome position (GRCh38, 1-based): chr3:184,165,177, C>T. VCF-style: chr3-184165177-C-T. GRCh37 (hg19) VCF-style: chr3-183882965-C-T.
Other names: short protein forms R222W.
Identifiers: ClinVar variation 2136193 (VCV002136193.4), dbSNP rs774865679, ClinGen allele CA2727189.